The following is an entry in ClinVar:

ClinVar aggregate classification (germline): Uncertain significance. Review status: criteria provided, multiple submitters, no conflicts (2 of 4 stars). 2 submissions from 2 submitters: Uncertain significance (2). Last evaluated 2026-03-24.

Conditions:
Hereditary cancer-predisposing syndrome. Also called: Neoplastic Syndromes, Hereditary; Tumor predisposition; Hereditary Cancer Syndrome; Hereditary neoplastic syndrome. Identifiers: Orphanet 140162, MedGen C0027672, MeSH D009386, MONDO:0015356.
Rhabdoid tumor predisposition syndrome 2 (RTPS2). Identifiers: Orphanet 231108, Orphanet 69077, MedGen C2750074, MONDO:0013224, OMIM 613325.

Submissions (2):

Ambry Genetics
Classification: Uncertain significance for Hereditary cancer-predisposing syndrome. Last evaluated: 2026-03-24. Review status: criteria provided, single submitter. Criteria: Ambry Variant Classification Scheme 2023. Collection method: clinical testing. Allele origin: germline.
Comment: The p.F844V variant (also known as c.2530T>G), located in coding exon 17 of the SMARCA4 gene, results from a T to G substitution at nucleotide position 2530. The phenylalanine at codon 844 is replaced by valine, an amino acid with highly similar properties. This amino acid position is conserved. In addition, the in silico prediction for this alteration is inconclusive. Based on the available evidence, the clinical significance of this variant remains unclear.

Labcorp Genetics (formerly Invitae), Labcorp
Classification: Uncertain significance for Rhabdoid tumor predisposition syndrome 2. Last evaluated: 2022-07-01. Review status: criteria provided, single submitter. Criteria: Invitae Variant Classification Sherloc (09022015). Collection method: clinical testing. Allele origin: germline.
Comment: This variant is not present in population databases (gnomAD no frequency). This variant has not been reported in the literature in individuals affected with SMARCA4-related conditions. Algorithms developed to predict the effect of missense changes on protein structure and function are either unavailable or do not agree on the potential impact of this missense change (SIFT: "Deleterious"; PolyPhen-2: "Benign"; Align-GVGD: "Class C45"). In summary, the available evidence is currently insufficient to determine the role of this variant in disease. Therefore, it has been classified as a Variant of Uncertain Significance. This sequence change replaces phenylalanine, which is neutral and non-polar, with valine, which is neutral and non-polar, at codon 844 of the SMARCA4 protein (p.Phe844Val).

NM_003072.5(SMARCA4):c.2530T>G (p.Phe844Val)

Gene: SMARCA4 (SWI/SNF related BAF chromatin remodeling complex subunit ATPase 4; plus strand). Cytogenetic location: 19p13.2.
Variant type: single nucleotide variant.
Coding change: c.2530T>G on transcript NM_003072.5 (MANE Select); coding-DNA position 2530, T replaced by G.
Protein change: p.Phe844Val; replaces phenylalanine 844 with valine.
Molecular consequence: missense variant. On other transcripts: non-coding transcript variant (1).
Genome position (GRCh38, 1-based): chr19:11,019,615, T>G. VCF-style: chr19-11019615-T-G. GRCh37 (hg19) VCF-style: chr19-11130291-T-G.
Other names: c.2530T>G (NM_001128849.1); c.2530T>G, p.Phe844Val (NM_001128844.3, NM_001128845.2, NM_001128846.2 and 6 more transcripts); short protein forms F844V.
Identifiers: ClinVar variation 2012737 (VCV002012737.5), dbSNP rs2146373717, ClinGen allele CA404054327.
Genomic context (GRCh38, chr19:11,019,615, plus strand): 5'-CCAAAAGCCGAGCTGTGCATCCTGCTTCCCTTGCAGGGATCCCCAGCAGCAAGACGGGCC[T>G]TTGTCCCCCAGCTCCGGAGTGGGAAGTTCAACGTCTTGCTGACGACGTACGAGTACATCA-3'
Protein context (NP_003063.2, residues 834-854): YKGSPAARRA[Phe844Val]VPQLRSGKFN